The following is an entry in ClinVar:

ClinVar aggregate classification (germline): Uncertain significance. Review status: criteria provided, multiple submitters, no conflicts (2 of 4 stars). 2 submissions from 2 submitters: Uncertain significance (2). Last evaluated 2025-05-07.

Conditions:
Congenital myasthenic syndrome 8. Also called: MYASTHENIC SYNDROME, CONGENITAL, DUE TO AGRIN DEFICIENCY; Myasthenic syndrome, congenital, 8, with pre- and postsynaptic defects. Identifiers: Orphanet 590, MedGen C3808739, MONDO:0014052, OMIM 615120.
Inborn genetic diseases. Identifiers: MedGen C0950123, MeSH D030342.

Allele frequency attached by ClinVar (database versions not stated): TOPMed 0.00015; gnomAD exomes 0.00005 and 0.00012; gnomAD 0.00012; ESP Exome Variant Server 0.00015; ExAC 0.00007.
gnomAD v4.1: 197 of 1,610,024 alleles (0.012%); highest among the groups gnomAD compares: African/African-American, 0.029%; no homozygotes.

Submissions (2):

Ambry Genetics
Classification: Uncertain significance for Inborn genetic diseases. Last evaluated: 2025-05-07. Review status: criteria provided, single submitter. Criteria: Ambry Variant Classification Scheme 2023. Collection method: clinical testing. Allele origin: germline.

Labcorp Genetics (formerly Invitae), Labcorp
Classification: Uncertain significance for Congenital myasthenic syndrome 8. Last evaluated: 2022-07-26. Review status: criteria provided, single submitter. Criteria: Invitae Variant Classification Sherloc (09022015). Collection method: clinical testing. Allele origin: germline.
Comment: This sequence change replaces aspartic acid, which is acidic and polar, with asparagine, which is neutral and polar, at codon 505 of the AGRN protein (p.Asp505Asn). This variant is present in population databases (rs147081710, gnomAD 0.03%). This variant has not been reported in the literature in individuals affected with AGRN-related conditions. ClinVar contains an entry for this variant (Variation ID: 834234). Algorithms developed to predict the effect of missense changes on protein structure and function are either unavailable or do not agree on the potential impact of this missense change (SIFT: "Deleterious"; PolyPhen-2: "Possibly Damaging"; Align-GVGD: "Class C0"). In summary, the available evidence is currently insufficient to determine the role of this variant in disease. Therefore, it has been classified as a Variant of Uncertain Significance.

NM_198576.4(AGRN):c.1513G>A (p.Asp505Asn)

Gene: AGRN (agrin; plus strand). Cytogenetic location: 1p36.33.
Variant type: single nucleotide variant.
Coding change: c.1513G>A on transcript NM_198576.4 (MANE Select); coding-DNA position 1513, G replaced by A.
Protein change: p.Asp505Asn; replaces aspartic acid 505 with asparagine.
Molecular consequence: missense variant.
Genome position (GRCh38, 1-based): chr1:1,043,367, G>A. VCF-style: chr1-1043367-G-A. GRCh37 (hg19) VCF-style: chr1-978747-G-A.
Other names: c.1513G>A, p.Asp505Asn (NM_001305275.2); c.1198G>A, p.Asp400Asn (NM_001364727.2); short protein forms D505N, D400N.
Identifiers: ClinVar variation 834234 (VCV000834234.5), dbSNP rs147081710, ClinGen allele CA508206.